The following is an entry in ClinVar:

ClinVar aggregate classification (germline): Benign/Likely benign. Review status: criteria provided, multiple submitters, no conflicts (2 of 4 stars). 4 submissions from 4 submitters: Benign (1); Likely benign (3). Last evaluated 2025-11-22.

Conditions:
Hereditary cancer-predisposing syndrome. Also called: Tumor predisposition; Neoplastic Syndromes, Hereditary; Hereditary Cancer Syndrome; Hereditary neoplastic syndrome. Identifiers: Orphanet 140162, MedGen C0027672, MeSH D009386, MONDO:0015356.
Familial cancer of breast. Also called: Hereditary breast cancer; BREAST CANCER, FAMILIAL; hereditary breast carcinoma. Identifiers: Orphanet 227535, MedGen C0346153, MONDO:0016419, OMIM 114480. Disease mechanism: loss of function.
Ataxia-telangiectasia syndrome (AT). Also called: Ataxia-telangiectasia; Cerebello-oculocutaneous telangiectasia; Immunodeficiency with ataxia telangiectasia; ATAXIA-TELANGIECTASIA, COMPLEMENTATION GROUP A; ATAXIA-TELANGIECTASIA, FRESNO VARIANT; Ataxia-telangiectasia, complementation group D. Identifiers: Orphanet 100, MedGen C0004135, MONDO:0008840, OMIM 208900.

Allele frequency attached by ClinVar (database versions not stated): gnomAD exomes below 0.00001.
gnomAD v4.1: 2 of 1,608,946 alleles (0.00012%); highest among the groups gnomAD compares: Non-Finnish European, 0.00017%; no homozygotes.

Submissions (4):

Labcorp Genetics (formerly Invitae), Labcorp
Classification: Likely benign for Ataxia-telangiectasia syndrome. Last evaluated: 2025-11-22. Review status: criteria provided, single submitter. Criteria: Invitae Variant Classification Sherloc (09022015). Collection method: clinical testing. Allele origin: germline.

Myriad Genetics, Inc.
Classification: Benign for Familial cancer of breast. Last evaluated: 2024-04-26. Review status: criteria provided, single submitter. Criteria: Myriad Autosomal Dominant, Autosomal Recessive and X-Linked Classification Criteria (2023). Collection method: clinical testing. Allele origin: unknown.
Comment: This variant is considered benign. This variant is a silent/synonymous amino acid change and it is not expected to impact splicing.

Women's Health and Genetics/Laboratory Corporation of America, LabCorp
Classification: Likely benign. Last evaluated: 2024-03-15. Review status: criteria provided, single submitter. Criteria: LabCorp Variant Classification Summary - May 2015. Collection method: clinical testing. Allele origin: germline.

Ambry Genetics
Classification: Likely benign for Hereditary cancer-predisposing syndrome. Last evaluated: 2017-02-10. Review status: criteria provided, single submitter. Criteria: Ambry Variant Classification Scheme 2023. Collection method: clinical testing. Allele origin: germline.

NM_000051.4(ATM):c.1263A>G (p.Ser421=)

Gene: ATM (ATM serine/threonine kinase; plus strand). Cytogenetic location: 11q22.3.
Variant type: single nucleotide variant.
Coding change: c.1263A>G on transcript NM_000051.4 (MANE Select); coding-DNA position 1263, A replaced by G.
Protein change: p.Ser421=; no amino-acid change (serine 421 retained).
Molecular consequence: synonymous variant.
Genome position (GRCh38, 1-based): chr11:108,250,728, A>G. VCF-style: chr11-108250728-A-G. GRCh37 (hg19) VCF-style: chr11-108121455-A-G.
Other names: c.1263A>G, p.Ser421= (NM_001351834.2).
Identifiers: ClinVar variation 414565 (VCV000414565.18), dbSNP rs1060504285, ClinGen allele CA16613060.